The following is an entry in ClinVar:

ClinVar aggregate classification (germline): Likely benign (1 of 4 stars; one submission).

Submission:

Women's Health and Genetics/Laboratory Corporation of America, LabCorp
Classification: Likely benign. Last evaluated: 2020-09-21. Review status: criteria provided, single submitter. Criteria: LabCorp Variant Classification Summary - May 2015. Collection method: clinical testing. Allele origin: germline.
Comment: Variant summary: BRCA2 c.6117A>G alters a non-conserved nucleotide resulting in a synonymous change. 4/4 computational tools predict no significant impact on normal splicing. However, these predictions have yet to be confirmed by functional studies. The variant was absent in 250942 control chromosomes. The available data on variant occurrences in the general population are insufficient to allow any conclusion about variant significance. To our knowledge, no occurrence of c.6117A>G in individuals affected with Hereditary Breast And Ovarian Cancer Syndrome and no experimental evidence demonstrating its impact on protein function have been reported. No clinical diagnostic laboratories have submitted clinical-significance assessments for this variant to ClinVar after 2014. Based on the evidence outlined above, the variant was classified as likely benign.

NM_000059.4(BRCA2):c.6117A>G (p.Leu2039=)

Gene: BRCA2 (BRCA2 DNA repair associated; plus strand). Cytogenetic location: 13q13.1.
Variant type: single nucleotide variant.
Coding change: c.6117A>G on transcript NM_000059.4 (MANE Select); coding-DNA position 6117, A replaced by G.
Protein change: p.Leu2039=; no amino-acid change (leucine 2039 retained).
Molecular consequence: synonymous variant.
Genome position (GRCh38, 1-based): chr13:32,340,472, A>G. VCF-style: chr13-32340472-A-G. GRCh37 (hg19) VCF-style: chr13-32914609-A-G.
Identifiers: ClinVar variation 981116 (VCV000981116.1), dbSNP rs1566233950, ClinGen allele CA483439192.